The following is an entry in ClinVar:

NM_014370.4(SRPK3):c.1280G>A (p.Arg427Gln)

Gene: SRPK3 (SRSF protein kinase 3; plus strand). Cytogenetic location: Xq28.
Variant type: single nucleotide variant.
Coding change: c.1280G>A on transcript NM_014370.4 (MANE Select); coding-DNA position 1280, G replaced by A.
Protein change: p.Arg427Gln; replaces arginine 427 with glutamine.
Molecular consequence: missense variant.
Genome position (GRCh38, 1-based): chrX:153,784,781, G>A. VCF-style: chrX-153784781-G-A. GRCh37 (hg19) VCF-style: chrX-153050236-G-A.
Other names: c.1277G>A, p.Arg426Gln (NM_001170760.2); c.1178G>A, p.Arg393Gln (NM_001170761.2); short protein forms R393Q, R426Q, R427Q.
Identifiers: ClinVar variation 4885541 (VCV004885541.2).

ClinVar aggregate classification (germline): Uncertain significance (1 of 4 stars; one submission).

Submission:

Dasa
Classification: Uncertain significance. Last evaluated: 2025-07-27. Review status: criteria provided, single submitter. Criteria: DASA Assertion Criteria. Collection method: clinical testing. Allele origin: germline.
Comment: NM_014370.4(SRPK3):c.1280G>A (p.Arg427Gln) is a missense variant that results in the substitution of arginine with glutamine. This variant is absent from population databases. The currently available literature and clinical evidence are not sufficient to establish a definitive association between this variant and the reported condition. Therefore, this variant is classified as a variant of uncertain significance.